The following is an entry in ClinVar:

ClinVar aggregate classification (germline): Likely pathogenic (1 of 4 stars; one submission).

Submission:

GeneDx
Classification: Likely pathogenic. Last evaluated: 2026-08-04. Review status: criteria provided, single submitter. Criteria: GeneDx Variant Classification Process June 2021. Collection method: clinical testing. Allele origin: germline.
Comment: In silico analysis supports that this missense variant has a deleterious effect on protein structure/function; Occurs in the triple helical domain and replaces the glycine in the canonical Gly-X-Y repeat; missense substitution of a canonical glycine residue is expected to disrupt normal protein folding and function, and this is an established mechanism of disease (HGMD); Not observed at significant frequency in large population cohorts (gnomAD); Has not been previously published as pathogenic or benign to our knowledge

NM_000090.4(COL3A1):c.1042G>A (p.Gly348Ser)

Gene: COL3A1 (collagen type III alpha 1 chain; plus strand). Cytogenetic location: 2q32.2.
Variant type: single nucleotide variant.
Coding change: c.1042G>A on transcript NM_000090.4 (MANE Select); coding-DNA position 1042, G replaced by A.
Protein change: p.Gly348Ser; replaces glycine 348 with serine.
Molecular consequence: missense variant.
Genome position (GRCh38, 1-based): chr2:188,992,932, G>A. VCF-style: chr2-188992932-G-A. GRCh37 (hg19) VCF-style: chr2-189857658-G-A.
Other names: short protein forms G348S.
Identifiers: ClinVar variation 2504291 (VCV002504291.2), dbSNP rs2469124806, ClinGen allele CA349850694.
Genomic context (GRCh38, chr2:188,992,932, plus strand): 5'-ATTTAATTTTTTCAGGGCCCTCCTGGTCCTCCTGGAACTGCCGGATTCCCTGGATCCCCT[G>A]GTGCTAAGGTAAACATGTGTTTCTATAGAAGGGTATAAAAATATCTTGGAGGCAAGAGAA-3'
Protein context (NP_000081.2, residues 338-358): PGTAGFPGSP[Gly348Ser]AKGEVGPAGS